The following is an entry in ClinVar:

ClinVar aggregate classification (germline): Uncertain significance (1 of 4 stars; one submission).

Conditions:
Primary ciliary dyskinesia. Also called: Ciliary dyskinesia. Identifiers: Orphanet 244, MedGen C0008780, MONDO:0016575, HP:0012265.

Submission:

Ambry Genetics
Classification: Uncertain significance for Primary ciliary dyskinesia. Last evaluated: 2025-10-25. Review status: criteria provided, single submitter. Criteria: Ambry Variant Classification Scheme 2023. Collection method: clinical testing. Allele origin: germline.
Comment: The p.P2199T variant (also known as c.6595C>A), located in coding exon 40 of the DNAH5 gene, results from a C to A substitution at nucleotide position 6595. The proline at codon 2199 is replaced by threonine, an amino acid with highly similar properties. This amino acid position is conserved. In addition, the in silico prediction for this alteration is inconclusive. Since supporting evidence is limited at this time, the clinical significance of this alteration remains unclear.

NM_001369.3(DNAH5):c.6595C>A (p.Pro2199Thr)

Gene: DNAH5 (dynein axonemal heavy chain 5; minus strand). Cytogenetic location: 5p15.2.
Variant type: single nucleotide variant.
Coding change: c.6595C>A on transcript NM_001369.3 (MANE Select); coding-DNA position 6595, C replaced by A.
Protein change: p.Pro2199Thr; replaces proline 2199 with threonine.
Molecular consequence: missense variant.
Genome position (GRCh38, 1-based): chr5:13,823,355, G>T on the plus strand (C>A on the coding strand, the complement: DNAH5 is on the minus strand). VCF-style: chr5-13823355-G-T. GRCh37 (hg19) VCF-style: chr5-13823464-G-T.
Other names: short protein forms P2199T.
Identifiers: ClinVar variation 2451388 (VCV002451388.2), dbSNP rs1350160267, ClinGen allele CA359196055.